The following is an entry in ClinVar:

NM_003793.4(CTSF):c.208C>T (p.Arg70Cys)

Gene: CTSF (cathepsin F; minus strand). Cytogenetic location: 11q13.2.
Variant type: single nucleotide variant.
Coding change: c.208C>T on transcript NM_003793.4 (MANE Select); coding-DNA position 208, C replaced by T.
Protein change: p.Arg70Cys; replaces arginine 70 with cysteine.
Molecular consequence: missense variant.
Genome position (GRCh38, 1-based): chr11:66,568,279, G>A on the plus strand (C>T on the coding strand, the complement: CTSF is on the minus strand). VCF-style: chr11-66568279-G-A. GRCh37 (hg19) VCF-style: chr11-66335750-G-A.
Other names: short protein forms R70C.
Identifiers: ClinVar variation 3365285 (VCV003365285.1).
Genomic context (GRCh38, chr11:66,568,279, plus strand): 5'-AAGCTCCTATCCCTTGGACCCGGGCCTGGCGCCCCCGCCCCCGGCGCGTCCTCACCCGGC[G>A]GACGCGGCCGCGCACAAGGCCCAGCACGGCCCGCGTCCCCGCAGCCCGGCCGCGGTTGAA-3'
Protein context (NP_003784.2, residues 60-80): AVLGLVRGRV[Arg70Cys]RAGQGSLYSL

ClinVar aggregate classification (germline): Uncertain significance (1 of 4 stars; one submission).

gnomAD v4.1: 2 of 1,498,158 alleles (0.00013%); highest among the groups gnomAD compares: African/African-American, 0.0029%; no homozygotes.

Submission:

GeneDx
Classification: Uncertain significance. Last evaluated: 2024-04-21. Review status: criteria provided, single submitter. Criteria: GeneDx Variant Classification Process June 2021. Collection method: clinical testing. Allele origin: germline. Affected: yes.
Comment: Not observed at significant frequency in large population cohorts (gnomAD); In silico analysis indicates that this missense variant does not alter protein structure/function; Has not been previously published as pathogenic or benign to our knowledge